The following is an entry in ClinVar:

NM_022098.4(XPNPEP3):c.1488G>T (p.Met496Ile)

Gene: XPNPEP3 (X-prolyl aminopeptidase 3; plus strand). Cytogenetic location: 22q13.2.
Variant type: single nucleotide variant.
Coding change: c.1488G>T on transcript NM_022098.4 (MANE Select); coding-DNA position 1488, G replaced by T.
Protein change: p.Met496Ile; replaces methionine 496 with isoleucine.
Molecular consequence: missense variant.
Genome position (GRCh38, 1-based): chr22:40,926,399, G>T. VCF-style: chr22-40926399-G-T. GRCh37 (hg19) VCF-style: chr22-41322403-G-T.
Other names: short protein forms M496I.
Identifiers: ClinVar variation 2123686 (VCV002123686.4), dbSNP rs2518002088, ClinGen allele CA411976521.

ClinVar aggregate classification (germline): Uncertain significance (1 of 4 stars; one submission).

Conditions:
Nephronophthisis-like nephropathy 1 (NPHPL1). Identifiers: Orphanet 655, MedGen C3150419, MONDO:0013163, OMIM 613159.

Submission:

Labcorp Genetics (formerly Invitae), Labcorp
Classification: Uncertain significance for Nephronophthisis-like nephropathy 1. Last evaluated: 2024-04-30. Review status: criteria provided, single submitter. Criteria: Invitae Variant Classification Sherloc (09022015). Collection method: clinical testing. Allele origin: germline.
Comment: This sequence change replaces methionine, which is neutral and non-polar, with isoleucine, which is neutral and non-polar, at codon 496 of the XPNPEP3 protein (p.Met496Ile). This variant is not present in population databases (gnomAD no frequency). This variant has not been reported in the literature in individuals affected with XPNPEP3-related conditions. ClinVar contains an entry for this variant (Variation ID: 2123686). Algorithms developed to predict the effect of missense changes on protein structure and function output the following: SIFT: "Not Available"; PolyPhen-2: "Benign"; Align-GVGD: "Not Available". The isoleucine amino acid residue is found in multiple mammalian species, which suggests that this missense change does not adversely affect protein function. In summary, the available evidence is currently insufficient to determine the role of this variant in disease. Therefore, it has been classified as a Variant of Uncertain Significance.